The following is an entry in ClinVar:

NM_004168.4(SDHA):c.775T>C (p.Tyr259His)

Gene: SDHA (succinate dehydrogenase complex flavoprotein subunit A; plus strand). Cytogenetic location: 5p15.33.
Variant type: single nucleotide variant.
Coding change: c.775T>C on transcript NM_004168.4 (MANE Select); coding-DNA position 775, T replaced by C.
Protein change: p.Tyr259His; replaces tyrosine 259 with histidine.
Molecular consequence: missense variant.
Genome position (GRCh38, 1-based): chr5:230,880, T>C. VCF-style: chr5-230880-T-C. GRCh37 (hg19) VCF-style: chr5-230995-T-C.
Other names: c.631T>C, p.Tyr211His (NM_001294332.2); c.775T>C, p.Tyr259His (NM_001330758.2); short protein forms Y259H, Y211H.
Identifiers: ClinVar variation 1760496 (VCV001760496.3), dbSNP rs2477331798, ClinGen allele CA359011521.

ClinVar aggregate classification (germline): Uncertain significance (1 of 4 stars; one submission).

Conditions:
Hereditary cancer-predisposing syndrome. Also called: Neoplastic Syndromes, Hereditary; Tumor predisposition; Hereditary Cancer Syndrome; Hereditary neoplastic syndrome. Identifiers: Orphanet 140162, MedGen C0027672, MeSH D009386, MONDO:0015356.

Submission:

Ambry Genetics
Classification: Uncertain significance for Hereditary cancer-predisposing syndrome. Last evaluated: 2026-06-11. Review status: criteria provided, single submitter. Criteria: Ambry Variant Classification Scheme 2023. Collection method: clinical testing. Allele origin: germline.
Comment: The p.Y259H variant (also known as c.775T>C), located in coding exon 7 of the SDHA gene, results from a T to C substitution at nucleotide position 775. The tyrosine at codon 259 is replaced by histidine, an amino acid with similar properties. This amino acid position is highly conserved in available vertebrate species. In addition, this alteration is predicted to be deleterious by in silico analysis. Based on the available evidence, the clinical significance of this variant remains unclear.